The following is an entry in ClinVar:

NM_001004334.4(GPR179):c.5693dup (p.Met1898fs)

Gene: GPR179 (G protein-coupled receptor 179; minus strand). Cytogenetic location: 17q12.
Variant type: Duplication.
Coding change: c.5693dup on transcript NM_001004334.4 (MANE Select); coding-DNA position 5693, one base duplicated (T; older notation c.5693dupT).
Protein change: p.Met1898fs; shifts the reading frame from methionine 1898.
Molecular consequence: frameshift variant.
Genome position (GRCh38, 1-based): chr17:38,327,876, A duplicated on the plus strand (T on the coding strand, the reverse complement: GPR179 is on the minus strand). VCF-style (leftmost placement, unchanged base first): chr17-38327875-C-CA. GRCh37 (hg19) VCF-style: chr17-36483758-C-CA.
Other names: short protein forms M1898fs.
Identifiers: ClinVar variation 1467566 (VCV001467566.4), dbSNP rs1227102076, ClinGen allele CA771679185.

ClinVar aggregate classification (germline): Uncertain significance (1 of 4 stars; one submission).

Allele frequency attached by ClinVar (database versions not stated): gnomAD exomes 0.00001; TOPMed 0.00001.

Submission:

Labcorp Genetics (formerly Invitae), Labcorp
Classification: Uncertain significance. Last evaluated: 2023-07-25. Review status: criteria provided, single submitter. Criteria: Invitae Variant Classification Sherloc (09022015). Collection method: clinical testing. Allele origin: germline.
Comment: In summary, the available evidence is currently insufficient to determine the role of this variant in disease. Therefore, it has been classified as a Variant of Uncertain Significance. Experimental studies and prediction algorithms are not available or were not evaluated, and the functional significance of this variant is currently unknown. ClinVar contains an entry for this variant (Variation ID: 1467566). This variant has not been reported in the literature in individuals affected with GPR179-related conditions. This variant is present in population databases (no rsID available, gnomAD 0.006%). This sequence change creates a premature translational stop signal (p.Met1898Ilefs*3) in the GPR179 gene. While this is not anticipated to result in nonsense mediated decay, it is expected to disrupt the last 470 amino acid(s) of the GPR179 protein.